The following is an entry in ClinVar:

NM_003334.4(UBA1):c.262G>A (p.Ala88Thr)

Genes: UBA1 (ubiquitin like modifier activating enzyme 1; plus strand), LOC126863253 (CDK7 strongly-dependent group 2 enhancer GRCh37_chrX:47057593-47058792; plus strand). Cytogenetic location: Xp11.3.
Variant type: single nucleotide variant.
Coding change: c.262G>A on transcript NM_003334.4 (MANE Select); coding-DNA position 262, G replaced by A.
Protein change: p.Ala88Thr; replaces alanine 88 with threonine.
Molecular consequence: missense variant.
Genome position (GRCh38, 1-based): chrX:47,199,294, G>A. VCF-style: chrX-47199294-G-A. GRCh37 (hg19) VCF-style: chrX-47058693-G-A.
Other names: c.262G>A, p.Ala88Thr (NM_153280.3); short protein forms A88T.
Identifiers: ClinVar variation 1794033 (VCV001794033.2), dbSNP rs781884907, ClinGen allele CA10395635.

ClinVar aggregate classification (germline): Uncertain significance (1 of 4 stars; one submission).

Conditions:
Inborn genetic diseases. Identifiers: MedGen C0950123, MeSH D030342.

Allele frequency attached by ClinVar (database versions not stated): gnomAD exomes 0.00001; ExAC 0.00003.
gnomAD v4.1: 6 of 1,211,796 alleles (0.0005%); highest among the groups gnomAD compares: Non-Finnish European, 0.00022%; no homozygotes.

Submission:

Ambry Genetics
Classification: Uncertain significance for Inborn genetic diseases. Last evaluated: 2021-03-26. Review status: criteria provided, single submitter. Criteria: Ambry Variant Classification Scheme 2023. Collection method: clinical testing. Allele origin: germline.
Comment: The p.A88T variant (also known as c.262G>A), located in coding exon 3 of the UBA1 gene, results from a G to A substitution at nucleotide position 262. The alanine at codon 88 is replaced by threonine, an amino acid with similar properties. This amino acid position is highly conserved in available vertebrate species. In addition, this alteration is predicted to be deleterious by in silico analysis. Based on data from gnomAD, this allele has an overall frequency of 0.0027% (5/183490) total alleles studied, with 2 hemizygotes observed. The highest observed frequency was 0.03% (5/16010) of Finnish alleles. Since supporting evidence is limited at this time, the clinical significance of this alteration remains unclear.